The following is an entry in ClinVar:

NM_015488.5(PNKD):c.*1725T>C

Genes: CATIP-AS2 (CATIP antisense RNA 2; minus strand), PNKD (PNKD metallo-beta-lactamase domain containing; plus strand). Cytogenetic location: 2q35.
Variant type: single nucleotide variant.
Coding change: c.*1725T>C on transcript NM_015488.5 (MANE Select); 1725 bases downstream of the stop codon, T replaced by C.
Molecular consequence: 3 prime UTR variant.
Genome position (GRCh38, 1-based): chr2:218,346,706, T>C. VCF-style: chr2-218346706-T-C. GRCh37 (hg19) VCF-style: chr2-219211429-T-C.
Other names: c.*1725T>C (NM_022572.5).
Identifiers: ClinVar variation 898619 (VCV000898619.4), dbSNP rs149172912, ClinGen allele CA65763204.
Genomic context (GRCh38, chr2:218,346,706, plus strand): 5'-GTTTACATGTTTGTCTCCCCTTCTAGACTGTGAATCCTTAAGGGCATGGACTGTATCTTA[T>C]GCATCTCTGTATTTCTGCGCCTAGCACGGTGCCTAGCACACAGTAGGCGCTCAATAAATG-3'

ClinVar aggregate classification (germline): Benign (1 of 4 stars; one submission).

Conditions:
Paroxysmal nonkinesigenic dyskinesia 1 (PNKD1). Also called: PxMD-PNKD; MOUNT-REBACK SYNDROME; PAROXYSMAL DYSTONIC CHOREOATHETOSIS; Familial Paroxysmal Nonkinesigenic Dyskinesia; Nonkinesigenic choreoathetosis; Familial paroxysmal choreoathetosis. Identifiers: Orphanet 98810, MedGen C4551506, MONDO:0700089, OMIM 118800, MONDO:0007326.

Allele frequency attached by ClinVar (database versions not stated): gnomAD 0.00007 and 0.00013; TOPMed 0.00023; 1000 Genomes Project 30x 0.00078; 1000 Genomes Project 0.00100.
gnomAD v4.1: 20 of 154,120 alleles (0.013%); highest among the groups gnomAD compares: East Asian, 0.38%; no homozygotes.

Submission:

Illumina Laboratory Services, Illumina
Classification: Benign for Paroxysmal nonkinesigenic dyskinesia 1. Last evaluated: 2018-01-13. Review status: criteria provided, single submitter. Criteria: ICSL Variant Classification Criteria 13 December 2019. Collection method: clinical testing. Allele origin: germline.
Comment: This variant was observed in the ICSL laboratory as part of a predisposition screen in an ostensibly healthy population. It had not been previously curated by ICSL or reported in the Human Gene Mutation Database (HGMD: prior to June 1st, 2018), and was therefore a candidate for classification through an automated scoring system. Utilizing variant allele frequency, disease prevalence and penetrance estimates, and inheritance mode, an automated score was calculated to assess if this variant is too frequent to cause the disease. Based on the score and internal cut-off values, a variant classified as benign is not then subjected to further curation. The score for this variant resulted in a classification of benign for this disease.